The following is an entry in ClinVar:

ClinVar aggregate classification (germline): Uncertain significance. Review status: criteria provided, multiple submitters, no conflicts (2 of 4 stars). 2 submissions from 2 submitters: Uncertain significance (2). Last evaluated 2024-06-16.

Conditions:
Hereditary cancer-predisposing syndrome. Also called: Neoplastic Syndromes, Hereditary; Tumor predisposition; Hereditary Cancer Syndrome; Hereditary neoplastic syndrome. Identifiers: Orphanet 140162, MedGen C0027672, MeSH D009386, MONDO:0015356.

Allele frequency attached by ClinVar (database versions not stated): TOPMed below 0.00001.

Submissions (2):

Ambry Genetics
Classification: Uncertain significance for Hereditary cancer-predisposing syndrome. Last evaluated: 2024-06-16. Review status: criteria provided, single submitter. Criteria: Ambry Variant Classification Scheme 2023. Collection method: clinical testing. Allele origin: germline.
Comment: The p.R903K variant (also known as c.2708G>A), located in coding exon 16 of the RAD50 gene, results from a G to A substitution at nucleotide position 2708. The arginine at codon 903 is replaced by lysine, an amino acid with highly similar properties. This amino acid position is highly conserved in available vertebrate species. In addition, the in silico prediction for this alteration is inconclusive. Since supporting evidence is limited at this time, the clinical significance of this alteration remains unclear.

Labcorp Genetics (formerly Invitae), Labcorp
Classification: Uncertain significance for Hereditary cancer-predisposing syndrome. Last evaluated: 2021-10-23. Review status: criteria provided, single submitter. Criteria: Invitae Variant Classification Sherloc (09022015). Collection method: clinical testing. Allele origin: germline.
Comment: Algorithms developed to predict the effect of missense changes on protein structure and function (SIFT, PolyPhen-2, Align-GVGD) all suggest that this variant is likely to be tolerated. This sequence change replaces arginine with lysine at codon 903 of the RAD50 protein (p.Arg903Lys). The arginine residue is moderately conserved and there is a small physicochemical difference between arginine and lysine. This variant is not present in population databases (ExAC no frequency). This variant has not been reported in the literature in individuals affected with RAD50-related conditions. ClinVar contains an entry for this variant (Variation ID: 482135). In summary, the available evidence is currently insufficient to determine the role of this variant in disease. Therefore, it has been classified as a Variant of Uncertain Significance.

NM_005732.4(RAD50):c.2708G>A (p.Arg903Lys)

Gene: RAD50 (RAD50 double strand break repair protein; plus strand). Cytogenetic location: 5q31.1.
Variant type: single nucleotide variant.
Coding change: c.2708G>A on transcript NM_005732.4 (MANE Select); coding-DNA position 2708, G replaced by A.
Protein change: p.Arg903Lys; replaces arginine 903 with lysine.
Molecular consequence: missense variant.
Genome position (GRCh38, 1-based): chr5:132,604,989, G>A. VCF-style: chr5-132604989-G-A. GRCh37 (hg19) VCF-style: chr5-131940681-G-A.
Other names: short protein forms R903K.
Identifiers: ClinVar variation 482135 (VCV000482135.12), dbSNP rs1554099201, ClinGen allele CA360956979.
Genomic context (GRCh38, chr5:132,604,989, plus strand): 5'-GTCGTCAGCAACTGGAGGAGCAGACTGTGGAATTATCCACTGAAGTTCAGTCTTTGTACA[G>A]AGAGATAAAGGTAAGAATATCCATACATGTTTTTTGTAAAATTATTTTAATTATTTATTT-3'
Protein context (NP_005723.2, residues 893-913): ELSTEVQSLY[Arg903Lys]EIKDAKEQVS